The following is an entry in ClinVar:

NM_017780.4(CHD7):c.6272G>A (p.Trp2091Ter)

Gene: CHD7 (chromodomain helicase DNA binding protein 7; plus strand). Cytogenetic location: 8q12.2.
Variant type: single nucleotide variant.
Coding change: c.6272G>A on transcript NM_017780.4 (MANE Select); coding-DNA position 6272, G replaced by A.
Protein change: p.Trp2091Ter; replaces tryptophan 2091 with a stop codon.
Molecular consequence: nonsense. On other transcripts: intron variant (1).
Genome position (GRCh38, 1-based): chr8:60,852,997, G>A. VCF-style: chr8-60852997-G-A. GRCh37 (hg19) VCF-style: chr8-61765556-G-A.
Other names: c.1717-9232G>A (NM_001316690.1); short protein forms W2091*.
Identifiers: ClinVar variation 982754 (VCV000982754.1), dbSNP rs1805529214, ClinGen allele CA371324623.

ClinVar aggregate classification (germline): Pathogenic (1 of 4 stars; one submission).

Conditions:
CHARGE syndrome (CHARGE). Also called: Hittner Hirsch Kreh syndrome; Coloboma, heart anomaly, choanal atresia, retardation, genital and ear anomalies; CHARGE association; Hall-Hittner syndrome; CHARGE ASSOCIATION--COLOBOMA, HEART ANOMALY, CHOANAL ATRESIA, RETARDATION, GENITAL AND EAR ANOMALIES. Identifiers: Orphanet 138, MedGen C0265354, MONDO:0008965.

Submission:

Institute of Human Genetics, University of Leipzig Medical Center
Classification: Pathogenic for CHD7-related CHARGE syndrome. Last evaluated: 2019-01-01. Review status: criteria provided, single submitter. Criteria: ACMG Guidelines, 2015. Collection method: clinical testing. Allele origin: de novo. Affected: yes.
Comment: This variant was identified as de novo.